The following is an entry in ClinVar:

NM_002485.5(NBN):c.2121T>A (p.Asp707Glu)

Gene: NBN (nibrin; minus strand). Cytogenetic location: 8q21.3.
Variant type: single nucleotide variant.
Coding change: c.2121T>A on transcript NM_002485.5 (MANE Select); coding-DNA position 2121, T replaced by A.
Protein change: p.Asp707Glu; replaces aspartic acid 707 with glutamic acid.
Molecular consequence: missense variant.
Genome position (GRCh38, 1-based): chr8:89,943,316, A>T on the plus strand (T>A on the coding strand, the complement: NBN is on the minus strand). VCF-style: chr8-89943316-A-T. GRCh37 (hg19) VCF-style: chr8-90955544-A-T.
Other names: c.1875T>A, p.Asp625Glu (NM_001024688.3); short protein forms D707E, D625E.
Identifiers: ClinVar variation 1976561 (VCV001976561.3), dbSNP rs2488191442, ClinGen allele CA371675601.

ClinVar aggregate classification (germline): Uncertain significance. Review status: criteria provided, multiple submitters, no conflicts (2 of 4 stars). 2 submissions from 2 submitters: Uncertain significance (2). Last evaluated 2023-11-01.

Conditions:
Microcephaly, normal intelligence and immunodeficiency (NBS). Also called: BERLIN BREAKAGE SYNDROME; Nijmegen breakage syndrome; IMMUNODEFICIENCY, MICROCEPHALY, AND CHROMOSOMAL INSTABILITY; Microcephaly with normal intelligence immunodeficiency and lymphoreticular malignancies; Nonsyndromal microcephaly autosomal recessive with normal intelligence; Seemanova syndrome 2. Identifiers: Orphanet 647, MedGen C0398791, MONDO:0009623, OMIM 251260.
Hereditary cancer-predisposing syndrome. Also called: Hereditary neoplastic syndrome; Neoplastic Syndromes, Hereditary; Tumor predisposition; Hereditary Cancer Syndrome. Identifiers: Orphanet 140162, MedGen C0027672, MeSH D009386, MONDO:0015356.

Submissions (2):

Ambry Genetics
Classification: Uncertain significance for Hereditary cancer-predisposing syndrome. Last evaluated: 2023-11-01. Review status: criteria provided, single submitter. Criteria: Ambry Variant Classification Scheme 2023. Collection method: clinical testing. Allele origin: germline.
Comment: The p.D707E variant (also known as c.2121T>A), located in coding exon 14 of the NBN gene, results from a T to A substitution at nucleotide position 2121. The aspartic acid at codon 707 is replaced by glutamic acid, an amino acid with highly similar properties. This amino acid position is conserved. In addition, the in silico prediction for this alteration is inconclusive. Since supporting evidence is limited at this time, the clinical significance of this alteration remains unclear.

Labcorp Genetics (formerly Invitae), Labcorp
Classification: Uncertain significance for Microcephaly, normal intelligence and immunodeficiency. Last evaluated: 2021-10-23. Review status: criteria provided, single submitter. Criteria: Invitae Variant Classification Sherloc (09022015). Collection method: clinical testing. Allele origin: germline.
Comment: This sequence change replaces aspartic acid with glutamic acid at codon 707 of the NBN protein (p.Asp707Glu). The aspartic acid residue is moderately conserved and there is a small physicochemical difference between aspartic acid and glutamic acid. This variant is not present in population databases (ExAC no frequency). This variant has not been reported in the literature in individuals affected with NBN-related conditions. Algorithms developed to predict the effect of missense changes on protein structure and function are either unavailable or do not agree on the potential impact of this missense change (SIFT: "Tolerated"; PolyPhen-2: "Probably Damaging"; Align-GVGD: "Class C0"). In summary, the available evidence is currently insufficient to determine the role of this variant in disease. Therefore, it has been classified as a Variant of Uncertain Significance.